The following is an entry in ClinVar:

NM_022098.4(XPNPEP3):c.1056-9C>T

Gene: XPNPEP3 (X-prolyl aminopeptidase 3; plus strand). Cytogenetic location: 22q13.2.
Variant type: single nucleotide variant.
Coding change: c.1056-9C>T on transcript NM_022098.4 (MANE Select); 9 bases into the intron before coding-DNA position 1056, C replaced by T.
Molecular consequence: intron variant.
Genome position (GRCh38, 1-based): chr22:40,922,324, C>T. VCF-style: chr22-40922324-C-T. GRCh37 (hg19) VCF-style: chr22-41318328-C-T.
Identifiers: ClinVar variation 696213 (VCV000696213.13), dbSNP rs116758113, ClinGen allele CA10251857.

ClinVar aggregate classification (germline): Conflicting classifications of pathogenicity. Review status: criteria provided, conflicting classifications (1 of 4 stars). 5 submissions from 5 submitters: Uncertain significance (1); Benign (1); Likely benign (1). 2 of the submissions do not count toward it. Last evaluated 2025-09-16.

Conditions:
Nephronophthisis-like nephropathy 1 (NPHPL1). Identifiers: Orphanet 655, MedGen C3150419, MONDO:0013163, OMIM 613159.
XPNPEP3-related disorder. Also called: XPNPEP3-related condition.
Kidney disorder. Also called: renal disease; Kidney disease; Kidney Diseases; renal disorder; Nephropathy. Identifiers: MedGen C0022658, MONDO:0005240, HP:0000112.

Allele frequency attached by ClinVar (database versions not stated): gnomAD exomes 0.00033; 1000 Genomes Project 0.00120; 1000 Genomes Project 30x 0.00141; gnomAD 0.00144 and 0.00160; ESP Exome Variant Server 0.00146; TOPMed 0.00150.
gnomAD v4.1: 449 of 1,613,618 alleles (0.028%); highest among the groups gnomAD compares: African/African-American, 0.56%; 2 homozygotes.

Submissions (5):

Labcorp Genetics (formerly Invitae), Labcorp
Classification: Benign for Nephronophthisis-like nephropathy 1. Last evaluated: 2025-09-16. Review status: criteria provided, single submitter. Criteria: Invitae Variant Classification Sherloc (09022015). Collection method: clinical testing. Allele origin: germline.

Fulgent Genetics
Classification: Likely benign for Nephronophthisis-like nephropathy 1. Last evaluated: 2021-08-11. Review status: criteria provided, single submitter. Criteria: ACMG Guidelines, 2015. Collection method: clinical testing. Allele origin: unknown.

Genome Diagnostics Laboratory, The Hospital for Sick Children
Classification: Uncertain significance for Kidney disorder. Last evaluated: 2018-06-01. Review status: criteria provided, single submitter. Criteria: ACMG Guidelines, 2015. Collection method: clinical testing. Allele origin: germline.

Genetic Services Laboratory, University of Chicago
Classification: Likely benign. Last evaluated: 2022-09-13. Review status: no assertion criteria provided. Collection method: clinical testing. Allele origin: germline. Affected: no. Not counted in ClinVar's aggregate classification.

PreventionGenetics, part of Exact Sciences
Classification: Likely benign for XPNPEP3-related condition. Last evaluated: 2019-02-21. Review status: no assertion criteria provided. Collection method: clinical testing. Allele origin: germline. Not counted in ClinVar's aggregate classification.
Comment: This variant is classified as likely benign based on ACMG/AMP sequence variant interpretation guidelines (Richards et al. 2015 PMID: 25741868, with internal and published modifications).